The following is an entry in ClinVar:

ClinVar aggregate classification (germline): Pathogenic (1 of 4 stars; one submission).

Conditions:
Hereditary cancer-predisposing syndrome. Also called: Tumor predisposition; Hereditary Cancer Syndrome; Hereditary neoplastic syndrome; Neoplastic Syndromes, Hereditary. Identifiers: Orphanet 140162, MedGen C0027672, MeSH D009386, MONDO:0015356.

Submission:

Ambry Genetics
Classification: Pathogenic for Hereditary cancer-predisposing syndrome. Last evaluated: 2024-04-26. Review status: criteria provided, single submitter. Criteria: Ambry Variant Classification Scheme 2023. Collection method: clinical testing. Allele origin: germline.
Comment: The p.Y1057* pathogenic mutation (also known as c.3171C>G), located in coding exon 23 of the MSH3 gene, results from a C to G substitution at nucleotide position 3171. This changes the amino acid from a tyrosine to a stop codon within coding exon 23. This alteration is expected to result in loss of function by premature protein truncation or nonsense-mediated mRNA decay. This variant is considered to be rare based on population cohorts in the Genome Aggregation Database (gnomAD). As such, this alteration is interpreted as a disease-causing mutation.

NM_002439.5(MSH3):c.3171C>G (p.Tyr1057Ter)

Gene: MSH3 (mutS homolog 3; plus strand). Cytogenetic location: 5q14.1.
Variant type: single nucleotide variant.
Coding change: c.3171C>G on transcript NM_002439.5 (MANE Select); coding-DNA position 3171, C replaced by G.
Protein change: p.Tyr1057Ter; replaces tyrosine 1057 with a stop codon.
Molecular consequence: nonsense.
Genome position (GRCh38, 1-based): chr5:80,873,156, C>G. VCF-style: chr5-80873156-C-G. GRCh37 (hg19) VCF-style: chr5-80168975-C-G.
Other names: short protein forms Y1057*.
Identifiers: ClinVar variation 3296275 (VCV003296275.1).
Genomic context (GRCh38, chr5:80,873,156, plus strand): 5'-CTCCTTTCTTTATTTCACAGGCGCAGCAGAACAAGTCCCTGATTTTGTCACCTTCCTTTA[C>G]CAAATAACTAGAGGAATTGCAGCAAGGAGTTATGGATTAAATGTGGCTAAACTAGCAGAT-3'